The following is an entry in ClinVar:

ClinVar aggregate classification (germline): Uncertain significance (1 of 4 stars; one submission).

Submission:

Dasa
Classification: Uncertain significance. Last evaluated: 2025-02-27. Review status: criteria provided, single submitter. Criteria: DASA Assertion Criteria. Collection method: clinical testing. Allele origin: germline.
Comment: NM_001367561.1(DOCK7):c.2597-7A>G is a splice-region variant. This variant is absent from population databases. Computational prediction algorithms are consistent with a deleterious effect. The currently available literature and clinical evidence are not sufficient to establish a definitive association between this variant and the reported condition. Therefore, this variant is classified as a variant of uncertain significance.

NM_001367561.1(DOCK7):c.2597-7A>G

Gene: DOCK7 (dedicator of cytokinesis 7; minus strand). Cytogenetic location: 1p31.3.
Variant type: single nucleotide variant.
Coding change: c.2597-7A>G on transcript NM_001367561.1 (MANE Select); 7 bases into the intron before coding-DNA position 2597, A replaced by G.
Molecular consequence: intron variant.
Genome position (GRCh38, 1-based): chr1:62,552,908, T>C on the plus strand (A>G on the coding strand, the complement: DOCK7 is on the minus strand). VCF-style: chr1-62552908-T-C. GRCh37 (hg19) VCF-style: chr1-63018579-T-C.
Other names: c.2597-7A>G (NM_001272001.2, NM_001272000.2, NM_033407.4 and 2 more transcripts).
Identifiers: ClinVar variation 4885213 (VCV004885213.2).